The following is an entry in ClinVar:

NM_000169.3(GLA):c.949del (p.Ile317fs)

Genes: GLA (galactosidase alpha; minus strand), RPL36A-HNRNPH2 (RPL36A-HNRNPH2 readthrough; plus strand). Cytogenetic location: Xq22.1.
Variant type: Deletion.
Coding change: c.949del on transcript NM_000169.3 (MANE Select); coding-DNA position 949, one base deleted (A; older notation c.949delA).
Protein change: p.Ile317fs; shifts the reading frame from isoleucine 317.
Molecular consequence: frameshift variant. On other transcripts: non-coding transcript variant (3), intron variant (2).
Genome position (GRCh38, 1-based): chrX:101,398,420, T deleted on the plus strand (A on the coding strand, the reverse complement: GLA is on the minus strand); the first of 2 consecutive T bases (chrX:101,398,420-101,398,421); deleting either gives the same sequence. VCF-style (leftmost placement, unchanged base first): chrX-101398419-AT-A. GRCh37 (hg19) VCF-style: chrX-100653407-AT-A.
Other names: c.1072del, p.Ile358fs (NM_001406747.1); c.949del, p.Ile317fs (NM_001406748.1); c.300+2964del (NM_001199973.2); c.177+6599del (NM_001199974.2); short protein forms I317fs, I358fs.
Identifiers: ClinVar variation 4087029 (VCV004087029.2).

ClinVar aggregate classification (germline): Pathogenic (1 of 4 stars; one submission).

Conditions:
Fabry disease. Also called: ALPHA-GALACTOSIDASE A DEFICIENCY; ANDERSON-FABRY DISEASE; CERAMIDE TRIHEXOSIDASE DEFICIENCY; GLA DEFICIENCY; HEREDITARY DYSTOPIC LIPIDOSIS; Angiokeratoma corporis diffusum. Identifiers: Orphanet 324, MedGen C0002986, MONDO:0010526, OMIM 301500, HP:0001071. Disease mechanism: Fabry disease is due to inactivating mutations in the X-linked GLA gene resulting in deficiency of the enzyme Alpha Galactosidase-A., loss of function.

Submission:

Genomenon, Inc
Classification: Pathogenic for Fabry disease. Last evaluated: 2026-09-08. Review status: criteria provided, single submitter. Criteria: Genomenon Sequence Variant Interpretation Standards - Updated. Collection method: curation. Allele origin: germline. Affected: yes.
Comment: GLA p.Ile317LeufsTer31 (c.949del) is a frameshift variant that is predicted to introduce a premature termination codon and result in a truncated or absent protein product. This variant has been observed in at least one proband with clinical features consistent with Fabry disease (PMID:36140787;38002959). The variant was found to segregate with disease in at least one affected family (PMID:36140787). At least one functional study has demonstrated a substantial alteration in protein function relative to the wild-type (PMID:23935525). It is absent or not present at a significant frequency in gnomAD. In conclusion, we classify GLA p.Ile317LeufsTer31 (c.949del) as a pathogenic variant.

Literature cited by the submitters: PubMed 36140787; PubMed 38002959; PubMed 23935525.